The following is an entry in ClinVar:

ClinVar aggregate classification (germline): Uncertain significance (1 of 4 stars; one submission).

Submission:

CeGaT Center for Human Genetics Tuebingen
Classification: Uncertain significance. Last evaluated: 2025-10-01. Review status: criteria provided, single submitter. Criteria: CeGaT Center For Human Genetics Tuebingen Variant Classification Criteria Version 2. Collection method: clinical testing. Allele origin: germline. Affected: yes. Observed: 1 variant allele.
Comment: TET3: PM2, BP4

NM_001287491.2(TET3):c.4507C>T (p.His1503Tyr)

Gene: TET3 (tet methylcytosine dioxygenase 3; plus strand). Cytogenetic location: 2p13.1.
Variant type: single nucleotide variant.
Coding change: c.4507C>T on transcript NM_001287491.2 (MANE Select); coding-DNA position 4507, C replaced by T.
Protein change: p.His1503Tyr; replaces histidine 1503 with tyrosine.
Molecular consequence: missense variant.
Genome position (GRCh38, 1-based): chr2:74,101,295, C>T. VCF-style: chr2-74101295-C-T. GRCh37 (hg19) VCF-style: chr2-74328422-C-T.
Other names: c.4228C>T, p.His1410Tyr (NM_001366022.1); short protein forms H1410Y, H1503Y.
Identifiers: ClinVar variation 4534477 (VCV004534477.6).